The following is an entry in ClinVar:

ClinVar aggregate classification (germline): Uncertain significance (1 of 4 stars; one submission).

Allele frequency attached by ClinVar (database versions not stated): gnomAD exomes below 0.00001.
gnomAD v4.1: 2 of 1,612,410 alleles (0.00012%); highest among the groups gnomAD compares: African/African-American, 0.0027%; no homozygotes.

Submission:

GeneDx
Classification: Uncertain significance. Last evaluated: 2022-07-25. Review status: criteria provided, single submitter. Criteria: GeneDx Variant Classification Process June 2021. Collection method: clinical testing. Allele origin: germline. Affected: yes.
Comment: Not observed at significant frequency in large population cohorts (gnomAD); In silico analysis supports that this missense variant does not alter protein structure/function; Has not been previously published as pathogenic or benign to our knowledge

NM_014991.6(WDFY3):c.601G>C (p.Val201Leu)

Gene: WDFY3 (WD repeat and FYVE domain containing 3; minus strand). Cytogenetic location: 4q21.23.
Variant type: single nucleotide variant.
Coding change: c.601G>C on transcript NM_014991.6 (MANE Select); coding-DNA position 601, G replaced by C.
Protein change: p.Val201Leu; replaces valine 201 with leucine.
Molecular consequence: missense variant.
Genome position (GRCh38, 1-based): chr4:84,831,581, C>G on the plus strand (G>C on the coding strand, the complement: WDFY3 is on the minus strand). VCF-style: chr4-84831581-C-G. GRCh37 (hg19) VCF-style: chr4-85752734-C-G.
Other names: short protein forms V201L.
Identifiers: ClinVar variation 2412918 (VCV002412918.2), dbSNP rs1372427283, ClinGen allele CA357542131.